The following is an entry in ClinVar:

ClinVar aggregate classification (germline): Uncertain significance (1 of 4 stars; one submission).

Conditions:
Hereditary cancer-predisposing syndrome. Also called: Neoplastic Syndromes, Hereditary; Tumor predisposition; Hereditary Cancer Syndrome; Hereditary neoplastic syndrome. Identifiers: Orphanet 140162, MedGen C0027672, MeSH D009386, MONDO:0015356.

Submission:

Ambry Genetics
Classification: Uncertain significance for Hereditary cancer-predisposing syndrome. Last evaluated: 2025-12-22. Review status: criteria provided, single submitter. Criteria: Ambry Variant Classification Scheme 2023. Collection method: clinical testing. Allele origin: germline.
Comment: The p.S1197P variant (also known as c.3589T>C), located in coding exon 22 of the PTCH1 gene, results from a T to C substitution at nucleotide position 3589. The serine at codon 1197 is replaced by proline, an amino acid with similar properties. This amino acid position is conserved. In addition, the in silico prediction for this alteration is inconclusive. Based on the available evidence, the clinical significance of this variant remains unclear.

NM_000264.5(PTCH1):c.3589T>C (p.Ser1197Pro)

Gene: PTCH1 (patched 1; minus strand). Cytogenetic location: 9q22.32.
Variant type: single nucleotide variant.
Coding change: c.3589T>C on transcript NM_000264.5 (MANE Select); coding-DNA position 3589, T replaced by C.
Protein change: p.Ser1197Pro; replaces serine 1197 with proline.
Molecular consequence: missense variant. On other transcripts: non-coding transcript variant (1).
Genome position (GRCh38, 1-based): chr9:95,449,284, A>G on the plus strand (T>C on the coding strand, the complement: PTCH1 is on the minus strand). VCF-style: chr9-95449284-A-G. GRCh37 (hg19) VCF-style: chr9-98211566-A-G.
Other names: c.3433T>C, p.Ser1145Pro (NM_001354918.2); c.3391T>C, p.Ser1131Pro (NM_001083602.3); c.3586T>C, p.Ser1196Pro (NM_001083603.3); c.3136T>C, p.Ser1046Pro (NM_001083604.3, NM_001083605.3, NM_001083606.3 and 1 more transcripts); short protein forms S1046P, S1197P, S1131P, S1196P, S1145P.
Identifiers: ClinVar variation 4842284 (VCV004842284.1).